The following is an entry in ClinVar:

ClinVar aggregate classification (germline): Uncertain significance. Review status: criteria provided, multiple submitters, no conflicts (2 of 4 stars). 3 submissions from 3 submitters: Uncertain significance (3). Last evaluated 2022-07-06.

Conditions:
Hereditary spastic paraplegia 77. Also called: Spastic paraplegia 77, autosomal recessive. Identifiers: Orphanet 466722, MedGen C5569007, MONDO:0014882, OMIM 617046.
Combined oxidative phosphorylation defect type 14. Also called: Combined oxidative phosphorylation deficiency 14. Identifiers: Orphanet 319519, MedGen C4755312, MONDO:0013986, OMIM 614946.

Allele frequency attached by ClinVar (database versions not stated): gnomAD exomes 0.00001; ExAC 0.00002.
gnomAD v4.1: 16 of 1,613,940 alleles (0.00099%); highest among the groups gnomAD compares: Non-Finnish European, 0.0013%; no homozygotes.

Submissions (3):

Labcorp Genetics (formerly Invitae), Labcorp
Classification: Uncertain significance for Combined oxidative phosphorylation defect type 14. Last evaluated: 2022-07-06. Review status: criteria provided, single submitter. Criteria: Invitae Variant Classification Sherloc (09022015). Collection method: clinical testing. Allele origin: germline.
Comment: In summary, the available evidence is currently insufficient to determine the role of this variant in disease. Therefore, it has been classified as a Variant of Uncertain Significance. Advanced modeling of protein sequence and biophysical properties (such as structural, functional, and spatial information, amino acid conservation, physicochemical variation, residue mobility, and thermodynamic stability) performed at Invitae indicates that this missense variant is expected to disrupt FARS2 protein function. ClinVar contains an entry for this variant (Variation ID: 1449177). This variant has not been reported in the literature in individuals affected with FARS2-related conditions. This variant is present in population databases (rs754132045, gnomAD 0.003%). This sequence change replaces leucine, which is neutral and non-polar, with proline, which is neutral and non-polar, at codon 172 of the FARS2 protein (p.Leu172Pro).

Baylor Genetics
Classification: Uncertain significance for Combined oxidative phosphorylation defect type 14. Last evaluated: 2021-12-23. Review status: criteria provided, single submitter. Criteria: ACMG Guidelines, 2015. Collection method: clinical testing. Allele origin: unknown.

Fulgent Genetics
Classification: Uncertain significance for Combined oxidative phosphorylation defect type 14; Hereditary spastic paraplegia 77. Last evaluated: 2021-07-23. Review status: criteria provided, single submitter. Criteria: ACMG Guidelines, 2015. Collection method: clinical testing. Allele origin: unknown.

NM_006567.5(FARS2):c.515T>C (p.Leu172Pro)

Genes: FARS2 (phenylalanyl-tRNA synthetase 2, mitochondrial; plus strand), LOC126859565 (CDK7 strongly-dependent group 2 enhancer GRCh37_chr6:5368745-5369944; plus strand). Cytogenetic location: 6p25.1.
Variant type: single nucleotide variant.
Coding change: c.515T>C on transcript NM_006567.5 (MANE Select); coding-DNA position 515, T replaced by C.
Protein change: p.Leu172Pro; replaces leucine 172 with proline.
Molecular consequence: missense variant. On other transcripts: intron variant (2).
Genome position (GRCh38, 1-based): chr6:5,369,085, T>C. VCF-style: chr6-5369085-T-C. GRCh37 (hg19) VCF-style: chr6-5369318-T-C.
Other names: c.515T>C, p.Leu172Pro (NM_001318872.2, NM_001374875.1, NM_001374876.1 and 5 more transcripts); c.-340-27548T>C (NM_001375260.1); c.-84-35457T>C (NM_001375259.1); short protein forms L172P.
Identifiers: ClinVar variation 1449177 (VCV001449177.9), dbSNP rs754132045, ClinGen allele CA3623663.
Genomic context (GRCh38, chr6:5,369,085, plus strand): 5'-TGAGAGCGCACACGTCTGCACACCAGTGGGACTTGCTGCACGCGGGACTGGATGCCTTCC[T>C]GGTGGTGGGTGATGTCTACAGGCGTGACCAGATCGACTCCCAGCACTACCCTATTTTCCA-3'
Protein context (NP_006558.1, residues 162-182): DLLHAGLDAF[Leu172Pro]VVGDVYRRDQ